The following is an entry in ClinVar:

ClinVar aggregate classification (germline): Uncertain significance (1 of 4 stars; one submission).

Submission:

Greenwood Genetic Center Diagnostic Laboratories, Greenwood Genetic Center
Classification: Uncertain significance. Last evaluated: 2025-06-26. Review status: criteria provided, single submitter. Criteria: ACMG Guidelines, 2015. Collection method: clinical testing. Allele origin: germline. Affected: yes.
Comment: PM2, PP2, PP3

NM_002576.5(PAK1):c.1337A>T (p.Asp446Val)

Gene: PAK1 (p21 (RAC1) activated kinase 1; minus strand). Cytogenetic location: 11q13.5.
Variant type: single nucleotide variant.
Coding change: c.1337A>T on transcript NM_002576.5 (MANE Select); coding-DNA position 1337, A replaced by T.
Protein change: p.Asp446Val; replaces aspartic acid 446 with valine.
Molecular consequence: missense variant. On other transcripts: non-coding transcript variant (2).
Genome position (GRCh38, 1-based): chr11:77,336,162, T>A on the plus strand (A>T on the coding strand, the complement: PAK1 is on the minus strand). VCF-style: chr11-77336162-T-A. GRCh37 (hg19) VCF-style: chr11-77047207-T-A.
Other names: c.1337A>T, p.Asp446Val (NM_001128620.2, NM_001376268.1, NM_001376269.1 and 21 more transcripts); c.1358A>T, p.Asp453Val (NM_001376272.1); c.1043A>T, p.Asp348Val (NM_001376302.1, NM_001376304.1, NM_001376305.1); c.1049A>T, p.Asp350Val (NM_001376303.1); c.1214A>T, p.Asp405Val (NM_001376290.1, NM_001376291.1); c.1328A>T, p.Asp443Val (NM_001376294.1); c.1160A>T, p.Asp387Val (NM_001376295.1); c.1088A>T, p.Asp363Val (NM_001376301.1); short protein forms D348V, D350V, D363V, D387V, D405V, D443V, D446V, D453V.
Identifiers: ClinVar variation 4538344 (VCV004538344.1).
Genomic context (GRCh38, chr11:77,336,162, plus strand): 5'-TTGAGGTATGGAGGCTCCCCTTCAATCATTTCGATGGCCATGATGCCCAGGGACCAGATG[T>A]CAACCTTGGGCCCATAGGCCTTTCGTGTCACAACCTCTGGTGCCATCCAGTATGGGGTTC-3'
Protein context (NP_002567.3, residues 436-456): VTRKAYGPKV[Asp446Val]IWSLGIMAIE